The following is an entry in ClinVar:

ClinVar aggregate classification (germline): Pathogenic (1 of 4 stars; one submission).

Conditions:
Granulomatous disease, chronic, X-linked. Also called: GRANULOMATOUS DISEASE, CHRONIC, X-LINKED, SOMATIC MOSAIC; CYTOCHROME b-NEGATIVE GRANULOMATOUS DISEASE, CHRONIC, X-LINKED. Identifiers: Orphanet 379, MedGen C1844376, MONDO:0010600, OMIM 306400.

Submission:

Victorian Clinical Genetics Services, Murdoch Childrens Research Institute
Classification: Pathogenic for Granulomatous disease, chronic, X-linked. Last evaluated: 2020-10-15. Review status: criteria provided, single submitter. Criteria: ACMG Guidelines, 2015. Collection method: clinical testing. Allele origin: germline. Inheritance: X-linked recessive inheritance.
Comment: Based on the classification scheme VCGS_Germline_v1.3.3, this variant is classified as Pathogenic. Following criteria are met: 0102 - Loss of function is a known mechanism of disease in this gene and is associated with X-linked chronic granulomatous disease (MIM#306400) and immunodeficiency 34, mycobacteriosis (MIM#300645). (I) 0109 - This gene is associated with X-linked recessive disease. (I) 0211 - Canonical splice site variant without proven consequence on splicing (no functional evidence available). (SP) 0253 - This variant is hemizygous. (I) 0301 - Variant is absent from gnomAD (both v2 and v3). (SP) 0505 - Abnormal splicing is predicted by in silico tools and affected nucleotide is highly conserved. (SP) 0701 - Other splice variants comparable to the one identified in this case have very strong previous evidence for pathogenicity. Other variants at the same nucleotide position (c.1314+1G>A, c.1314+1G>T) and canonical splice region (c.1314+2T>A, c.1314+2T>G, c.1314+2dupT) have been reported in multiple patients with CGD (PMID: 20729109, PMID: 24943880, PMID: 9585602). (SP) 0803 - This variant has limited previous evidence of pathogenicity in an unrelated individual. This variant has been reported in a single patient with chronic granulomatous disease (CGD) (PMID: 20729109). (SP) 0905 - No published segregation evidence has been identified for this variant. (I) 1007 - No published functional evidence has been identified for this variant. (I) 1208 - Inheritance information for this variant is not currently available in this individual. (I) Legend: (SP) - Supporting pathogenic, (I) - Information, (SB) - Supporting benign

Literature cited by the submitters: PubMed 9585602; PubMed 20729109; PubMed 24943880.

NM_000397.4(CYBB):c.1314+1G>C

Gene: CYBB (cytochrome b-245 beta chain; plus strand). Cytogenetic location: Xp11.4.
Variant type: single nucleotide variant.
Coding change: c.1314+1G>C on transcript NM_000397.4 (MANE Select); the canonical splice donor site of the intron after coding-DNA position 1314, G replaced by C.
Molecular consequence: splice donor variant.
Genome position (GRCh38, 1-based): chrX:37,805,169, G>C. VCF-style: chrX-37805169-G-C. GRCh37 (hg19) VCF-style: chrX-37664422-G-C.
Identifiers: ClinVar variation 1699135 (VCV001699135.3), dbSNP rs2146818103, ClinGen allele CA412977963.